The following is an entry in ClinVar:

ClinVar aggregate classification (germline): Uncertain significance (1 of 4 stars; one submission).

Conditions:
Cardiovascular phenotype. Identifiers: MedGen CN230736.

Submission:

Ambry Genetics
Classification: Uncertain significance for Cardiovascular phenotype. Last evaluated: 2021-12-07. Review status: criteria provided, single submitter. Criteria: Ambry Variant Classification Scheme 2023. Collection method: clinical testing. Allele origin: germline.
Comment: The p.E1142A variant (also known as c.3425A>C), located in coding exon 22 of the SOS2 gene, results from an A to C substitution at nucleotide position 3425. The glutamic acid at codon 1142 is replaced by alanine, an amino acid with dissimilar properties. This amino acid position is conserved. In addition, the in silico prediction for this alteration is inconclusive. Since supporting evidence is limited at this time, the clinical significance of this alteration remains unclear.

NM_006939.4(SOS2):c.3425A>C (p.Glu1142Ala)

Gene: SOS2 (SOS Ras/Rho guanine nucleotide exchange factor 2; minus strand). Cytogenetic location: 14q21.3.
Variant type: single nucleotide variant.
Coding change: c.3425A>C on transcript NM_006939.4 (MANE Select); coding-DNA position 3425, A replaced by C.
Protein change: p.Glu1142Ala; replaces glutamic acid 1142 with alanine.
Molecular consequence: missense variant.
Genome position (GRCh38, 1-based): chr14:50,120,339, T>G on the plus strand (A>C on the coding strand, the complement: SOS2 is on the minus strand). VCF-style: chr14-50120339-T-G. GRCh37 (hg19) VCF-style: chr14-50587057-T-G.
Other names: c.3326A>C, p.Glu1109Ala (NM_001411020.1); short protein forms E1109A, E1142A.
Identifiers: ClinVar variation 1731300 (VCV001731300.2), dbSNP rs2502768577, ClinGen allele CA389639235.